The following is an entry in ClinVar:

ClinVar aggregate classification (germline): Uncertain significance (1 of 4 stars; one submission).

Conditions:
Chédiak-Higashi syndrome (CHS). Also called: Chediak-Higashi Syndrome. Identifiers: Orphanet 167, MedGen C0007965, MONDO:0008963, OMIM 214500.

Submission:

Labcorp Genetics (formerly Invitae), Labcorp
Classification: Uncertain significance for Chédiak-Higashi syndrome. Last evaluated: 2023-08-16. Review status: criteria provided, single submitter. Criteria: Invitae Variant Classification Sherloc (09022015). Collection method: clinical testing. Allele origin: germline.
Comment: In summary, the available evidence is currently insufficient to determine the role of this variant in disease. Therefore, it has been classified as a Variant of Uncertain Significance. Advanced modeling of protein sequence and biophysical properties (such as structural, functional, and spatial information, amino acid conservation, physicochemical variation, residue mobility, and thermodynamic stability) performed at Invitae indicates that this missense variant is not expected to disrupt LYST protein function. This variant has not been reported in the literature in individuals affected with LYST-related conditions. This variant is not present in population databases (gnomAD no frequency). This sequence change replaces phenylalanine, which is neutral and non-polar, with leucine, which is neutral and non-polar, at codon 2659 of the LYST protein (p.Phe2659Leu).

NM_000081.4(LYST):c.7975T>C (p.Phe2659Leu)

Gene: LYST (lysosomal trafficking regulator; minus strand). Cytogenetic location: 1q42.3.
Variant type: single nucleotide variant.
Coding change: c.7975T>C on transcript NM_000081.4 (MANE Select); coding-DNA position 7975, T replaced by C.
Protein change: p.Phe2659Leu; replaces phenylalanine 2659 with leucine.
Molecular consequence: missense variant.
Genome position (GRCh38, 1-based): chr1:235,744,155, A>G on the plus strand (T>C on the coding strand, the complement: LYST is on the minus strand). VCF-style: chr1-235744155-A-G. GRCh37 (hg19) VCF-style: chr1-235907455-A-G.
Other names: c.7975T>C, p.Phe2659Leu (NM_001301365.1); short protein forms F2659L.
Identifiers: ClinVar variation 2804091 (VCV002804091.3), dbSNP rs200155335, ClinGen allele CA39606246.